The following is an entry in ClinVar:

ClinVar aggregate classification (germline): Uncertain significance. Review status: criteria provided, multiple submitters, no conflicts (2 of 4 stars). 4 submissions from 4 submitters: Uncertain significance (4). Last evaluated 2025-02-27.

Conditions:
Hereditary cancer-predisposing syndrome. Also called: Neoplastic Syndromes, Hereditary; Tumor predisposition; Hereditary Cancer Syndrome; Hereditary neoplastic syndrome. Identifiers: Orphanet 140162, MedGen C0027672, MeSH D009386, MONDO:0015356.
Familial cancer of breast. Also called: BREAST CANCER, FAMILIAL; Hereditary breast cancer; hereditary breast carcinoma. Identifiers: Orphanet 227535, MedGen C0346153, MONDO:0016419, OMIM 114480. Disease mechanism: loss of function.

Allele frequency attached by ClinVar (database versions not stated): ExAC 0.00001.
gnomAD v4.1: 1 of 1,613,784 alleles (0.000062%); highest among the groups gnomAD compares: Admixed American, 0.0017%; no homozygotes.

Submissions (4):

Ambry Genetics
Classification: Uncertain significance for Hereditary cancer-predisposing syndrome. Last evaluated: 2025-02-27. Review status: criteria provided, single submitter. Criteria: Ambry Variant Classification Scheme 2023. Collection method: clinical testing. Allele origin: germline.
Comment: The p.Y307C variant (also known as c.920A>G), located in coding exon 4 of the BARD1 gene, results from an A to G substitution at nucleotide position 920. The tyrosine at codon 307 is replaced by cysteine, an amino acid with highly dissimilar properties. This amino acid position is conserved. In addition, this alteration is predicted to be tolerated by in silico analysis. Based on the available evidence, the clinical significance of this variant remains unclear.

Labcorp Genetics (formerly Invitae), Labcorp
Classification: Uncertain significance for Familial cancer of breast. Last evaluated: 2024-08-19. Review status: criteria provided, single submitter. Criteria: Invitae Variant Classification Sherloc (09022015). Collection method: clinical testing. Allele origin: germline.
Comment: This sequence change replaces tyrosine, which is neutral and polar, with cysteine, which is neutral and slightly polar, at codon 307 of the BARD1 protein (p.Tyr307Cys). This variant is present in population databases (rs764215274, gnomAD 0.003%). This variant has not been reported in the literature in individuals affected with BARD1-related conditions. ClinVar contains an entry for this variant (Variation ID: 925247). An algorithm developed to predict the effect of missense changes on protein structure and function outputs the following: PolyPhen-2: "Benign". The cysteine amino acid residue is found in multiple mammalian species, which suggests that this missense change does not adversely affect protein function. In summary, the available evidence is currently insufficient to determine the role of this variant in disease. Therefore, it has been classified as a Variant of Uncertain Significance.

Color Diagnostics, LLC DBA Color Health
Classification: Uncertain significance for Hereditary cancer-predisposing syndrome. Last evaluated: 2024-03-06. Review status: criteria provided, single submitter. Criteria: ACMG Guidelines, 2015. Collection method: clinical testing. Allele origin: germline.
Comment: This missense variant replaces tyrosine with cysteine at codon 307 of the BARD1 protein. Computational prediction suggests that this variant may not impact protein structure and function (internally defined REVEL score threshold <= 0.5, PMID: 27666373). Splice site prediction tools suggest that this variant may not impact RNA splicing. To our knowledge, functional studies have not been performed for this variant. This variant has not been reported in individuals affected with hereditary cancer in the literature. This variant has been identified in 1/250564 chromosomes in the general population by the Genome Aggregation Database (gnomAD). The available evidence is insufficient to determine the role of this variant in disease conclusively. Therefore, this variant is classified as a Variant of Uncertain Significance.

GeneDx
Classification: Uncertain significance. Last evaluated: 2021-06-09. Review status: criteria provided, single submitter. Criteria: GeneDx Variant Classification Process June 2021. Collection method: clinical testing. Allele origin: germline. Affected: yes.
Comment: Not observed at significant frequency in large population cohorts (Lek et al., 2016); In silico analysis supports that this missense variant does not alter protein structure/function; Has not been previously published as pathogenic or benign to our knowledge; This variant is associated with the following publications: (PMID: 27535533)

NM_000465.4(BARD1):c.920A>G (p.Tyr307Cys)

Gene: BARD1 (BRCA1 associated RING domain 1; minus strand). Cytogenetic location: 2q35.
Variant type: single nucleotide variant.
Coding change: c.920A>G on transcript NM_000465.4 (MANE Select); coding-DNA position 920, A replaced by G.
Protein change: p.Tyr307Cys; replaces tyrosine 307 with cysteine.
Molecular consequence: missense variant. On other transcripts: non-coding transcript variant (2), intron variant (3).
Genome position (GRCh38, 1-based): chr2:214,780,954, T>C on the plus strand (A>G on the coding strand, the complement: BARD1 is on the minus strand). VCF-style: chr2-214780954-T-C. GRCh37 (hg19) VCF-style: chr2-215645678-T-C.
Other names: c.863A>G, p.Tyr288Cys (NM_001282543.2); c.159-28399A>G (NM_001282548.2); c.215+16107A>G (NM_001282545.2); c.364+11343A>G (NM_001282549.2); c.920A>G (NM_000465.2); short protein forms Y288C, Y307C.
Identifiers: ClinVar variation 925247 (VCV000925247.16), dbSNP rs764215274, ClinGen allele CA2090365.